The following is an entry in ClinVar:

NM_001946.4(DUSP6):c.838+3G>C

Genes: DUSP6 (dual specificity phosphatase 6; minus strand), POC1B-DUSP6 (POC1B-DUSP6 readthrough; minus strand). Cytogenetic location: 12q21.33.
Variant type: single nucleotide variant.
Coding change: c.838+3G>C on transcript NM_001946.4 (MANE Select); 3 bases into the intron after coding-DNA position 838, G replaced by C.
Molecular consequence: intron variant.
Genome position (GRCh38, 1-based): chr12:89,350,585, C>G on the plus strand (G>C on the coding strand, the complement: DUSP6 is on the minus strand). VCF-style: chr12-89350585-C-G. GRCh37 (hg19) VCF-style: chr12-89744362-C-G.
Other names: c.401-1024G>C (NM_022652.4).
Identifiers: ClinVar variation 2071931 (VCV002071931.4), dbSNP rs371728439, ClinGen allele CA6713964.
Genomic context (GRCh38, chr12:89,350,585, plus strand): 5'-CTCTATGAATGGCTAGGAATTTTGCATTTAAATGTCAGAGCGACGACTATTAATTAGTCT[C>G]ACCTATGAAAGAAATGGCCTCAGGGAAAAACTGGGACAGGTTTTGGCTCCAGTGATCCGA-3'

ClinVar aggregate classification (germline): Uncertain significance (1 of 4 stars; one submission).

Allele frequency attached by ClinVar (database versions not stated): ESP Exome Variant Server 0.00008; ExAC 0.00013; gnomAD 0.00013; gnomAD exomes 0.00013; 1000 Genomes Project 30x 0.00016; TOPMed 0.00017; 1000 Genomes Project 0.00020.
gnomAD v4.1: 208 of 1,611,834 alleles (0.013%); highest among the groups gnomAD compares: Middle Eastern, 0.05%; no homozygotes.

Submission:

Labcorp Genetics (formerly Invitae), Labcorp
Classification: Uncertain significance. Last evaluated: 2025-06-12. Review status: criteria provided, single submitter. Criteria: Invitae Variant Classification Sherloc (09022015). Collection method: clinical testing. Allele origin: germline.
Comment: This sequence change falls in intron 2 of the DUSP6 gene. It does not directly change the encoded amino acid sequence of the DUSP6 protein. It affects a nucleotide within the consensus splice site. This variant is present in population databases (rs371728439, gnomAD 0.02%). This variant has not been reported in the literature in individuals affected with DUSP6-related conditions. ClinVar contains an entry for this variant (Variation ID: 2071931). Variants that disrupt the consensus splice site are a relatively common cause of aberrant splicing (PMID: 17576681, 9536098). Algorithms developed to predict the effect of sequence changes on RNA splicing suggest that this variant may disrupt the consensus splice site. In summary, the available evidence is currently insufficient to determine the role of this variant in disease. Therefore, it has been classified as a Variant of Uncertain Significance.

Literature cited by the submitters: PubMed 17576681; PubMed 9536098.